The following is an entry in ClinVar:

NM_004064.5(CDKN1B):c.-79T>C

Gene: CDKN1B (cyclin dependent kinase inhibitor 1B; plus strand). Cytogenetic location: 12p13.1.
Variant type: single nucleotide variant.
Coding change: c.-79T>C on transcript NM_004064.5 (MANE Select); 79 bases upstream of the start codon, T replaced by C.
Molecular consequence: 5 prime UTR variant.
Genome position (GRCh38, 1-based): chr12:12,717,761, T>C. VCF-style: chr12-12717761-T-C. GRCh37 (hg19) VCF-style: chr12-12870695-T-C.
Identifiers: ClinVar variation 307658 (VCV000307658.32), dbSNP rs34330, ClinGen allele CA10641335.

ClinVar aggregate classification (germline): Benign. Review status: criteria provided, multiple submitters, no conflicts (2 of 4 stars). 8 submissions from 8 submitters: Benign (8). Last evaluated 2026-02-02.

Conditions:
Multiple endocrine neoplasia type 4. Also called: MULTIPLE ENDOCRINE NEOPLASIA, TYPE IV. Identifiers: Orphanet 276152, MedGen C1970712, MONDO:0012552, OMIM 610755.

Allele frequency attached by ClinVar (database versions not stated): 1000 Genomes Project 0.66174; 1000 Genomes Project 30x 0.66583; TOPMed 0.69419; gnomAD 0.69820 and 0.70075.

Submissions (8):

Labcorp Genetics (formerly Invitae), Labcorp
Classification: Benign for Multiple endocrine neoplasia type 4. Last evaluated: 2026-02-02. Review status: criteria provided, single submitter. Criteria: Invitae Variant Classification Sherloc (09022015). Collection method: clinical testing. Allele origin: germline.

ARUP Laboratories, Molecular Genetics and Genomics, ARUP Laboratories
Classification: Benign for Multiple endocrine neoplasia type 4. Last evaluated: 2023-11-29. Review status: criteria provided, single submitter. Criteria: ARUP Molecular Germline Variant Investigation Process 2024. Collection method: clinical testing. Allele origin: germline.

KCCC/NGS Laboratory, Kuwait Cancer Control Center
Classification: Benign for Multiple endocrine neoplasia type 4. Last evaluated: 2023-07-07. Review status: criteria provided, single submitter. Criteria: ACMG Guidelines, 2015. Collection method: clinical testing. Allele origin: germline. Affected: yes.

Blueprint Genetics
Classification: Benign. Last evaluated: 2023-03-28. Review status: criteria provided, single submitter. Criteria: ACMG Guidelines, 2015. Collection method: clinical testing. Allele origin: germline.

Genome-Nilou Lab
Classification: Benign for Multiple endocrine neoplasia type 4. Last evaluated: 2021-07-22. Review status: criteria provided, single submitter. Criteria: ACMG Guidelines, 2015. Collection method: clinical testing. Allele origin: germline. Affected: no.

GeneDx
Classification: Benign. Last evaluated: 2018-06-22. Review status: criteria provided, single submitter. Criteria: GeneDx Variant Classification Process June 2021. Collection method: clinical testing. Allele origin: germline. Affected: yes.
Comment: This variant is associated with the following publications: (PMID: 28667701, 15026335, 20075119, 23273568, 21454826)

Illumina Laboratory Services, Illumina
Classification: Benign for Multiple endocrine neoplasia type 4. Last evaluated: 2018-03-06. Review status: criteria provided, single submitter. Criteria: ICSL Variant Classification Criteria 13 December 2019. Collection method: clinical testing. Allele origin: germline.
Comment: This variant was observed in the ICSL laboratory as part of a predisposition screen in an ostensibly healthy population. It had not been previously curated by ICSL or reported in the Human Gene Mutation Database (HGMD: prior to June 1st, 2018), and was therefore a candidate for classification through an automated scoring system. Utilizing variant allele frequency, disease prevalence and penetrance estimates, and inheritance mode, an automated score was calculated to assess if this variant is too frequent to cause the disease. Based on the score and internal cut-off values, a variant classified as benign is not then subjected to further curation. The score for this variant resulted in a classification of benign for this disease.

Breakthrough Genomics
Classification: Benign. Review status: criteria provided, single submitter. Criteria: ACMG Guidelines, 2015. Collection method: not provided. Allele origin: germline. Inheritance: Autosomal dominant inheritance. Affected: yes.